The following is an entry in ClinVar:

NM_006236.3(POU3F3):c.45G>A (p.Leu15=)

Gene: POU3F3 (POU class 3 homeobox 3; plus strand). Cytogenetic location: 2q12.1.
Variant type: single nucleotide variant.
Coding change: c.45G>A on transcript NM_006236.3 (MANE Select); coding-DNA position 45, G replaced by A.
Protein change: p.Leu15=; no amino-acid change (leucine 15 retained).
Molecular consequence: synonymous variant.
Genome position (GRCh38, 1-based): chr2:104,855,555, G>A. VCF-style: chr2-104855555-G-A. GRCh37 (hg19) VCF-style: chr2-105472013-G-A.
Other names: c.45G>A, p.Leu15= (NM_001433704.1).
Identifiers: ClinVar variation 4083795 (VCV004083795.8).
Genomic context (GRCh38, chr2:104,855,555, plus strand): 5'-GCGGGAGCGGAGCGGCATGGCCACGGCGGCTTCTAACCCCTACCTGCCGGGGAACAGCCT[G>A]CTCGCGGCCGGCTCTATTGTGCACTCGGACGCGGCAGGGGCTGGCGGCGGCGGGGGTGGC-3'
Protein context (NP_006227.1, residues 5-25): ASNPYLPGNS[Leu15=]LAAGSIVHSD

ClinVar aggregate classification (germline): Likely benign (1 of 4 stars; one submission).

gnomAD v4.1: 298 of 1,044,110 alleles (0.029%); highest among the groups gnomAD compares: Non-Finnish European, 0.033%; 1 homozygote.

Submission:

CeGaT Center for Human Genetics Tuebingen
Classification: Likely benign. Last evaluated: 2025-07-01. Review status: criteria provided, single submitter. Criteria: CeGaT Center For Human Genetics Tuebingen Variant Classification Criteria Version 2. Collection method: clinical testing. Allele origin: germline. Affected: yes. Observed: 1 variant allele.
Comment: POU3F3: BP4, BP7